The following is an entry in ClinVar:

NM_001321075.3(DLG4):c.1161G>A (p.Thr387=)

Genes: DLG4 (discs large MAGUK scaffold protein 4; minus strand), LOC126862479 (MED14-independent group 3 enhancer GRCh37_chr17:7099412-7100611; plus strand). Cytogenetic location: 17p13.1.
Variant type: single nucleotide variant.
Coding change: c.1161G>A on transcript NM_001321075.3 (MANE Select); coding-DNA position 1161, G replaced by A.
Protein change: p.Thr387=; no amino-acid change (threonine 387 retained).
Molecular consequence: synonymous variant. On other transcripts: non-coding transcript variant (1).
Genome position (GRCh38, 1-based): chr17:7,196,498, C>T on the plus strand (G>A on the coding strand, the complement: DLG4 is on the minus strand). VCF-style: chr17-7196498-C-T. GRCh37 (hg19) VCF-style: chr17-7099817-C-T.
Other names: c.1152G>A, p.Thr384= (NM_001128827.4); c.1281G>A, p.Thr427= (NM_001321074.1); c.981G>A, p.Thr327= (NM_001321076.3, NM_001321077.3); c.1290G>A, p.Thr430= (NM_001365.5); c.1080G>A, p.Thr360= (NM_001369566.3).
Identifiers: ClinVar variation 4874043 (VCV004874043.2).
Genomic context (GRCh38, chr17:7,196,498, plus strand): 5'-TCAGCTCACAAGACAAGGAACTTCCGGCCTGGTACCTTCTGGTTTATACTGAGCGATGAT[C>T]GTGACCGTCTGACCCGCATTCTTCAGGGCAATGGCAGCCTGCTCATGGCTGGCATTTCGG-3'
Protein context (NP_001308004.1, residues 377-397): IALKNAGQTV[Thr387=]IIAQYKPEEY

ClinVar aggregate classification (germline): Likely benign (1 of 4 stars; one submission).

gnomAD v4.1: 42 of 1,613,916 alleles (0.0026%); highest among the groups gnomAD compares: Non-Finnish European, 0.0031%; no homozygotes.

Submission:

CeGaT Center for Human Genetics Tuebingen
Classification: Likely benign. Last evaluated: 2026-04-01. Review status: criteria provided, single submitter. Criteria: CeGaT Center For Human Genetics Tuebingen Variant Classification Criteria Version 2. Collection method: clinical testing. Allele origin: germline. Affected: yes. Observed: 1 variant allele.
Comment: DLG4: BP4, BP7